The following is an entry in ClinVar:

ClinVar aggregate classification (germline): Uncertain significance. Review status: criteria provided, multiple submitters, no conflicts (2 of 4 stars). 3 submissions from 3 submitters: Uncertain significance (3). Last evaluated 2025-12-09.

Conditions:
Hereditary cancer-predisposing syndrome. Also called: Tumor predisposition; Hereditary Cancer Syndrome; Hereditary neoplastic syndrome; Neoplastic Syndromes, Hereditary. Identifiers: Orphanet 140162, MedGen C0027672, MeSH D009386, MONDO:0015356.
Familial cancer of breast. Also called: hereditary breast carcinoma; BREAST CANCER, FAMILIAL; Hereditary breast cancer. Identifiers: Orphanet 227535, MedGen C0346153, MONDO:0016419, OMIM 114480. Disease mechanism: loss of function.

Submissions (3):

Labcorp Genetics (formerly Invitae), Labcorp
Classification: Uncertain significance for Familial cancer of breast. Last evaluated: 2025-12-09. Review status: criteria provided, single submitter. Criteria: Invitae Variant Classification Sherloc (09022015). Collection method: clinical testing. Allele origin: germline.
Comment: This variant, c.445_447del, results in the deletion of 1 amino acid(s) of the PALB2 protein (p.Lys149del), but otherwise preserves the integrity of the reading frame. This variant is not present in population databases (gnomAD no frequency). This variant has not been reported in the literature in individuals affected with PALB2-related conditions. Experimental studies and prediction algorithms are not available or were not evaluated, and the functional significance of this variant is currently unknown. In summary, the available evidence is currently insufficient to determine the role of this variant in disease. Therefore, it has been classified as a Variant of Uncertain Significance.

Sema4
Classification: Uncertain significance for Hereditary cancer-predisposing syndrome. Last evaluated: 2021-11-29. Review status: criteria provided, single submitter. Criteria: Sema4 Curation Guidelines. Collection method: curation. Allele origin: germline.
Comment: The PALB2 c.445_447delAAG (p.K149del) variant has not been reported in the literature to our knowledge. This in-frame deletion removes 3 not well conserved nucleotides without altering the integrity of reading frame. Functional studies and prediction algorithms are not available for this deletion, and the functional impact of this variant is unknown. It was not observed in the large and broad cohorts of the Genome Aggregation Database (PMID: 32461654). This variant has been reported in ClinVar (Variation ID 486002). The evidence is insufficient to meet ACMG/AMP criteria for classifying the variant as benign or pathogenic. Thus, the clinical significance of this variant is currently uncertain.

Ambry Genetics
Classification: Uncertain significance for Hereditary cancer-predisposing syndrome. Last evaluated: 2020-03-23. Review status: criteria provided, single submitter. Criteria: Ambry Variant Classification Scheme 2023. Collection method: clinical testing. Allele origin: germline.
Comment: The c.445_447delAAG variant (also known as p.K149del) is located in coding exon 4 of the PALB2 gene. This variant results from an in-frame AAG deletion at nucleotide positions 445 to 447. This results in the in-frame deletion of a lysine residue at codon 149. This amino acid position is not well conserved in available vertebrate species. Since supporting evidence is limited at this time, the clinical significance of this alteration remains unclear.

NM_024675.4(PALB2):c.442AAG[1] (p.Lys149del)

Gene: PALB2 (partner and localizer of BRCA2; minus strand). Cytogenetic location: 16p12.2.
Variant type: Microsatellite.
Coding change: c.442AAG[1] on transcript NM_024675.4 (MANE Select); one copy of the 3-base unit AAG starting at c.442; the reference has two copies in a row; one copy, 3 bases deleted.
Protein change: p.Lys149del; deletes lysine 149.
Molecular consequence: inframe deletion.
Genome position (GRCh38, 1-based): chr16:23,636,099-23,636,101, CTT deleted on the plus strand (AAG on the coding strand, the reverse complement: PALB2 is on the minus strand); deleting any 3 consecutive bases within chr16:23,636,099-23,636,104 gives the same sequence; the position shown is the placement nearest the transcript's 3' end. VCF-style (leftmost placement, unchanged base first): chr16-23636098-GCTT-G. GRCh37 (hg19) VCF-style: chr16-23647419-GCTT-G.
Other names: c.445_447delAAG (NM_024675.3); short protein forms K149del.
Identifiers: ClinVar variation 486002 (VCV000486002.7), dbSNP rs1555461795, ClinGen allele CA658658446.